The following is an entry in ClinVar:

NM_001854.4(COL11A1):c.4512T>C (p.Gly1504=)

Gene: COL11A1 (collagen type XI alpha 1 chain; minus strand). Cytogenetic location: 1p21.1.
Variant type: single nucleotide variant.
Coding change: c.4512T>C on transcript NM_001854.4 (MANE Select); coding-DNA position 4512, T replaced by C.
Protein change: p.Gly1504=; no amino-acid change (glycine 1504 retained).
Molecular consequence: synonymous variant. On other transcripts: non-coding transcript variant (1).
Genome position (GRCh38, 1-based): chr1:102,888,872, A>G on the plus strand (T>C on the coding strand, the complement: COL11A1 is on the minus strand). VCF-style: chr1-102888872-A-G. GRCh37 (hg19) VCF-style: chr1-103354428-A-G.
Other names: p.Gly1504=; c.4395T>C, p.Gly1465= (NM_001190709.2); c.4548T>C, p.Gly1516= (NM_080629.3); c.4164T>C, p.Gly1388= (NM_080630.4).
Identifiers: ClinVar variation 258466 (VCV000258466.27), dbSNP rs1763347, ClinGen allele CA973504.
Genomic context (GRCh38, chr1:102,888,872, plus strand): 5'-TGTTATATTTGTAACTTAACCCTACCTTATAAGGTTATTTTGTCTTGTACTTACTGGTAA[A>G]CCTGGAGGACCAGGTGGACCTAAGGGACCAGCAGGACCAGGAATTCCCTAGAGAGAGAAT-3'
Protein context (NP_001845.3, residues 1494-1514): AGPLGPPGPP[Gly1504=]LPGPQGPKGN

ClinVar aggregate classification (germline): Benign. Review status: criteria provided, multiple submitters, no conflicts (2 of 4 stars). 16 submissions from 12 submitters: Benign (13). 3 of the submissions do not count toward it. Last evaluated 2026-05-08.

Conditions:
Hearing loss, autosomal dominant 37. Also called: DEAFNESS, AUTOSOMAL DOMINANT 37. Identifiers: MedGen C4760307, MONDO:0032802, OMIM 618533.
Fibrochondrogenesis 1 (FBCG1). Identifiers: Orphanet 2021, MedGen C3278138, MONDO:0009226, OMIM 228520.
Marshall syndrome (MRSHS). Identifiers: Orphanet 560, MedGen C0265235, MONDO:0007949, OMIM 154780.
Stickler syndrome type 2 (STL2). Also called: STICKLER SYNDROME, BEADED VITREOUS TYPE; STICKLER SYNDROME, VITREOUS TYPE 2; STICKLER SYNDROME, TYPE II; COL11A1-Related Stickler Syndrome. Identifiers: Orphanet 828, Orphanet 90654, MedGen C1858084, MONDO:0011493, OMIM 604841.

Allele frequency attached by ClinVar (database versions not stated): 1000 Genomes Project 30x 0.61914; 1000 Genomes Project 0.62260; ESP Exome Variant Server 0.62294; TOPMed 0.63933; gnomAD 0.64340 and 0.64867; ExAC 0.72387; gnomAD exomes 0.73668 and 0.75641.
gnomAD v4.1: 1,202,383 of 1,611,910 alleles (75%); highest among the groups gnomAD compares: Admixed American, 82%; 457,887 homozygotes.

Submissions (16):

Women's Health and Genetics/Laboratory Corporation of America, LabCorp
Classification: Benign. Last evaluated: 2026-05-08. Review status: criteria provided, single submitter. Criteria: LabCorp Variant Classification Summary - May 2015. Collection method: clinical testing. Allele origin: germline.

Labcorp Genetics (formerly Invitae), Labcorp
Classification: Benign. Last evaluated: 2026-02-04. Review status: criteria provided, single submitter. Criteria: Invitae Variant Classification Sherloc (09022015). Collection method: clinical testing. Allele origin: germline.

Blueprint Genetics
Classification: Benign. Last evaluated: 2024-11-26. Review status: criteria provided, single submitter. Criteria: ACMG Guidelines, 2015. Collection method: clinical testing. Allele origin: germline.

Genome-Nilou Lab
Classification: Benign for Hearing loss, autosomal dominant 37. Last evaluated: 2021-07-22. Review status: criteria provided, single submitter. Criteria: ACMG Guidelines, 2015. Collection method: clinical testing. Allele origin: germline. Affected: no.

Genome-Nilou Lab
Classification: Benign for Fibrochondrogenesis 1. Last evaluated: 2021-07-22. Review status: criteria provided, single submitter. Criteria: ACMG Guidelines, 2015. Collection method: clinical testing. Allele origin: germline. Affected: no.

Genome-Nilou Lab
Classification: Benign for Marshall syndrome. Last evaluated: 2021-07-22. Review status: criteria provided, single submitter. Criteria: ACMG Guidelines, 2015. Collection method: clinical testing. Allele origin: germline. Affected: no.

Genome-Nilou Lab
Classification: Benign for Stickler syndrome type 2. Last evaluated: 2021-07-22. Review status: criteria provided, single submitter. Criteria: ACMG Guidelines, 2015. Collection method: clinical testing. Allele origin: germline. Affected: no.

Mayo Clinic Laboratories, Mayo Clinic
Classification: Benign. Last evaluated: 2019-05-17. Review status: criteria provided, single submitter. Criteria: ACMG Guidelines, 2015. Collection method: clinical testing. Allele origin: germline. Observed: 157 variant alleles.

Illumina Laboratory Services, Illumina
Classification: Benign for Fibrochondrogenesis 1. Last evaluated: 2018-01-13. Review status: criteria provided, single submitter. Criteria: ICSL Variant Classification Criteria 13 December 2019. Collection method: clinical testing. Allele origin: germline.
Comment: This variant was observed in the ICSL laboratory as part of a predisposition screen in an ostensibly healthy population. It had not been previously curated by ICSL or reported in the Human Gene Mutation Database (HGMD: prior to June 1st, 2018), and was therefore a candidate for classification through an automated scoring system. Utilizing variant allele frequency, disease prevalence and penetrance estimates, and inheritance mode, an automated score was calculated to assess if this variant is too frequent to cause the disease. Based on the score and internal cut-off values, a variant classified as benign is not then subjected to further curation. The score for this variant resulted in a classification of benign for this disease.

Illumina Laboratory Services, Illumina
Classification: Benign for Stickler syndrome type 2. Last evaluated: 2018-01-13. Review status: criteria provided, single submitter. Criteria: ICSL Variant Classification Criteria 13 December 2019. Collection method: clinical testing. Allele origin: germline.
Comment: the same text as in the submission from Illumina Laboratory Services, Illumina above.

GeneDx
Classification: Benign. Last evaluated: 2016-09-29. Review status: criteria provided, single submitter. Criteria: GeneDx Variant Classification (06012015). Collection method: clinical testing. Allele origin: germline. Affected: yes.
Comment: This variant is considered likely benign or benign based on one or more of the following criteria: it is a conservative change, it occurs at a poorly conserved position in the protein, it is predicted to be benign by multiple in silico algorithms, and/or has population frequency not consistent with disease.

Breakthrough Genomics
Classification: Benign. Review status: criteria provided, single submitter. Criteria: ACMG Guidelines, 2015. Collection method: not provided. Allele origin: germline. Inheritance: Autosomal recessive inheritance. Affected: yes.

PreventionGenetics, part of Exact Sciences
Classification: Benign. Review status: criteria provided, single submitter. Criteria: ACMG Guidelines, 2015. Collection method: clinical testing. Allele origin: germline.

Diagnostic Laboratory, Department of Genetics, University Medical Center Groningen
Classification: Benign. Review status: no assertion criteria provided. Collection method: clinical testing. Allele origin: germline. Affected: yes. Study: VKGL Data-share Consensus. Not counted in ClinVar's aggregate classification.

Genome Diagnostics Laboratory, Amsterdam University Medical Center
Classification: Benign. Review status: no assertion criteria provided. Collection method: clinical testing. Allele origin: germline. Affected: yes. Study: VKGL Data-share Consensus. Not counted in ClinVar's aggregate classification.

Joint Genome Diagnostic Labs from Nijmegen and Maastricht, Radboudumc and MUMC+
Classification: Benign. Review status: no assertion criteria provided. Collection method: clinical testing. Allele origin: germline. Affected: yes. Study: VKGL Data-share Consensus. Not counted in ClinVar's aggregate classification.